The following is an entry in ClinVar:

NM_032119.4(ADGRV1):c.1319C>T (p.Thr440Ile)

Gene: ADGRV1 (adhesion G protein-coupled receptor V1; plus strand). Cytogenetic location: 5q14.3.
Variant type: single nucleotide variant.
Coding change: c.1319C>T on transcript NM_032119.4 (MANE Select); coding-DNA position 1319, C replaced by T.
Protein change: p.Thr440Ile; replaces threonine 440 with isoleucine.
Molecular consequence: missense variant. On other transcripts: non-coding transcript variant (1).
Genome position (GRCh38, 1-based): chr5:90,628,642, C>T. VCF-style: chr5-90628642-C-T. GRCh37 (hg19) VCF-style: chr5-89924459-C-T.
Other names: short protein forms T440I.
Identifiers: ClinVar variation 2502473 (VCV002502473.1), dbSNP rs1407786289, ClinGen allele CA360371911.

ClinVar aggregate classification (germline): Uncertain significance (1 of 4 stars; one submission).

Allele frequency attached by ClinVar (database versions not stated): gnomAD exomes below 0.00001; TOPMed below 0.00001; gnomAD 0.00001.
gnomAD v4.1: 2 of 1,613,858 alleles (0.00012%); highest among the groups gnomAD compares: Non-Finnish European, 0.00017%; no homozygotes.

Submission:

GeneDx
Classification: Uncertain significance. Last evaluated: 2022-11-17. Review status: criteria provided, single submitter. Criteria: GeneDx Variant Classification Process June 2021. Collection method: clinical testing. Allele origin: germline. Affected: yes.
Comment: Not observed at significant frequency in large population cohorts (gnomAD); In silico analysis supports that this missense variant does not alter protein structure/function; Has not been previously published as pathogenic or benign to our knowledge